The following is an entry in ClinVar:

NM_001079802.2(FKTN):c.661C>A (p.Gln221Lys)

Gene: FKTN (fukutin; plus strand). Cytogenetic location: 9q31.2.
Variant type: single nucleotide variant.
Coding change: c.661C>A on transcript NM_001079802.2 (MANE Select); coding-DNA position 661, C replaced by A.
Protein change: p.Gln221Lys; replaces glutamine 221 with lysine.
Molecular consequence: missense variant. On other transcripts: non-coding transcript variant (2).
Genome position (GRCh38, 1-based): chr9:105,607,832, C>A. VCF-style: chr9-105607832-C-A. GRCh37 (hg19) VCF-style: chr9-108370113-C-A.
Other names: c.661C>A, p.Gln221Lys (NM_001198963.2, NM_001351496.2, NM_001351498.2 and 1 more transcripts); c.592C>A, p.Gln198Lys (NM_001351497.2); c.265C>A, p.Gln89Lys (NM_001351499.2, NM_001351500.2, NM_001351501.2 and 1 more transcripts); short protein forms Q198K, Q221K, Q89K.
Identifiers: ClinVar variation 1312351 (VCV001312351.2), dbSNP rs1829182209, ClinGen allele CA374332486.

ClinVar aggregate classification (germline): Uncertain significance (1 of 4 stars; one submission).

Submission:

GeneDx
Classification: Uncertain significance. Last evaluated: 2019-09-24. Review status: criteria provided, single submitter. Criteria: GeneDx Variant Classification Process June 2021. Collection method: clinical testing. Allele origin: germline. Affected: yes.
Comment: Not observed in large population cohorts (Lek et al., 2016); In silico analysis, which includes protein predictors and evolutionary conservation, supports that this variant does not alter protein structure/function; Has not been previously published as pathogenic or benign to our knowledge